The following is an entry in ClinVar:

NM_001002294.3(FMO3):c.969C>T (p.Asp323=)

Gene: FMO3 (flavin containing dimethylaniline monoxygenase 3; plus strand). Cytogenetic location: 1q24.3.
Variant type: single nucleotide variant.
Coding change: c.969C>T on transcript NM_001002294.3 (MANE Select); coding-DNA position 969, C replaced by T.
Protein change: p.Asp323=; no amino-acid change (aspartic acid 323 retained).
Molecular consequence: synonymous variant.
Genome position (GRCh38, 1-based): chr1:171,114,148, C>T. VCF-style: chr1-171114148-C-T. GRCh37 (hg19) VCF-style: chr1-171083288-C-T.
Other names: c.909C>T, p.Asp303= (NM_001319173.2); c.780C>T, p.Asp260= (NM_001319174.2); c.969C>T, p.Asp323= (NM_006894.6).
Identifiers: ClinVar variation 260079 (VCV000260079.11), dbSNP rs115908652, ClinGen allele CA1240707.

ClinVar aggregate classification (germline): Benign/Likely benign. Review status: criteria provided, multiple submitters, no conflicts (2 of 4 stars). 5 submissions from 5 submitters: Benign (1); Likely benign (4). Last evaluated 2026-01-31.

Conditions:
Trimethylaminuria (TMAU). Also called: Fish malodor syndrome; Stale fish syndrome; TMAuria; FISH-ODOR SYNDROME; Primary Trimethylaminuria. Identifiers: MedGen C0342739, MONDO:0011182, OMIM 602079, HP:0003614. Disease mechanism: loss of function.

Allele frequency attached by ClinVar (database versions not stated): ExAC 0.00082; 1000 Genomes Project 0.00220; TOPMed 0.00258; 1000 Genomes Project 30x 0.00281; ESP Exome Variant Server 0.00300.
gnomAD v4.1: 780 of 1,614,010 alleles (0.048%); highest among the groups gnomAD compares: African/African-American, 0.83%; 2 homozygotes.

Submissions (5):

Labcorp Genetics (formerly Invitae), Labcorp
Classification: Benign. Last evaluated: 2026-01-31. Review status: criteria provided, single submitter. Criteria: Invitae Variant Classification Sherloc (09022015). Collection method: clinical testing. Allele origin: germline.

Blueprint Genetics
Classification: Likely benign. Last evaluated: 2024-10-17. Review status: criteria provided, single submitter. Criteria: ACMG Guidelines, 2015. Collection method: clinical testing. Allele origin: germline.

Illumina Laboratory Services, Illumina
Classification: Likely benign for Trimethylaminuria. Last evaluated: 2018-01-13. Review status: criteria provided, single submitter. Criteria: ICSL Variant Classification Criteria 13 December 2019. Collection method: clinical testing. Allele origin: germline.
Comment: This variant was observed in the ICSL laboratory as part of a predisposition screen in an ostensibly healthy population. It had not been previously curated by ICSL or reported in the Human Gene Mutation Database (HGMD: prior to June 1st, 2018), and was therefore a candidate for classification through an automated scoring system. Utilizing variant allele frequency, disease prevalence and penetrance estimates, and inheritance mode, an automated score was calculated to assess if this variant is too frequent to cause the disease. Based on the score and internal cut-off values, a variant classified as likely benign is not then subjected to further curation. The score for this variant resulted in a classification of likely benign for this disease.

Breakthrough Genomics
Classification: Likely benign. Review status: criteria provided, single submitter. Criteria: ACMG Guidelines, 2015. Collection method: not provided. Allele origin: germline. Inheritance: Autosomal recessive inheritance. Affected: yes.

PreventionGenetics, part of Exact Sciences
Classification: Likely benign. Review status: criteria provided, single submitter. Criteria: ACMG Guidelines, 2015. Collection method: clinical testing. Allele origin: germline.